The following is an entry in ClinVar:

NM_001042492.3(NF1):c.1205C>A (p.Ser402Ter)

Gene: NF1 (neurofibromin 1; plus strand). Cytogenetic location: 17q11.2.
Variant type: single nucleotide variant.
Coding change: c.1205C>A on transcript NM_001042492.3 (MANE Select); coding-DNA position 1205, C replaced by A.
Protein change: p.Ser402Ter; replaces serine 402 with a stop codon.
Molecular consequence: nonsense.
Genome position (GRCh38, 1-based): chr17:31,201,430, C>A. VCF-style: chr17-31201430-C-A. GRCh37 (hg19) VCF-style: chr17-29528448-C-A.
Other names: c.1205C>A, p.Ser402Ter (NM_001128147.3, NM_000267.4); short protein forms S402*.
Identifiers: ClinVar variation 2812742 (VCV002812742.4), dbSNP rs2143885916, ClinGen allele CA398997488.

ClinVar aggregate classification (germline): Pathogenic. Review status: criteria provided, multiple submitters, no conflicts (2 of 4 stars). 2 submissions from 2 submitters: Pathogenic (2). Last evaluated 2025-07-06.

Conditions:
Neurofibromatosis, type 1 (NF1). Also called: NEUROFIBROMATOSIS, TYPE I, SOMATIC; Peripheral type neurofibromatosis; VON RECKLINGHAUSEN DISEASE; Neurofibromatosis, type I. Identifiers: Orphanet 636, MedGen C0027831, MONDO:0018975, OMIM 162200. Disease mechanism: loss of function.

Submissions (2):

Labcorp Genetics (formerly Invitae), Labcorp
Classification: Pathogenic for Neurofibromatosis, type 1. Last evaluated: 2025-07-06. Review status: criteria provided, single submitter. Criteria: Invitae Variant Classification Sherloc (09022015). Collection method: clinical testing. Allele origin: germline.
Comment: This sequence change creates a premature translational stop signal (p.Ser402*) in the NF1 gene. It is expected to result in an absent or disrupted protein product. Loss-of-function variants in NF1 are known to be pathogenic (PMID: 10712197, 23913538). This variant is not present in population databases (gnomAD no frequency). This variant has not been reported in the literature in individuals affected with NF1-related conditions. ClinVar contains an entry for this variant (Variation ID: 2812742). For these reasons, this variant has been classified as Pathogenic.

GeneDx
Classification: Pathogenic. Last evaluated: 2024-03-11. Review status: criteria provided, single submitter. Criteria: GeneDx Variant Classification Process June 2021. Collection method: clinical testing. Allele origin: germline. Affected: yes.
Comment: Nonsense variant predicted to result in protein truncation or nonsense mediated decay in a gene for which loss of function is a known mechanism of disease; Not observed at significant frequency in large population cohorts (gnomAD); Has not been previously published as pathogenic or benign to our knowledge; This variant is associated with the following publications: (PMID: 23913538, 10712197)

Literature cited by the submitters: PubMed 10712197 (cited by Labcorp Genetics (formerly Invitae), Labcorp); PubMed 23913538 (cited by Labcorp Genetics (formerly Invitae), Labcorp).